The following is an entry in ClinVar:

NM_001349253.2(SCN11A):c.1330T>C (p.Ser444Pro)

Gene: SCN11A (sodium voltage-gated channel alpha subunit 11; minus strand). Cytogenetic location: 3p22.2.
Variant type: single nucleotide variant.
Coding change: c.1330T>C on transcript NM_001349253.2 (MANE Select); coding-DNA position 1330, T replaced by C.
Protein change: p.Ser444Pro; replaces serine 444 with proline.
Molecular consequence: missense variant.
Genome position (GRCh38, 1-based): chr3:38,908,092, A>G on the plus strand (T>C on the coding strand, the complement: SCN11A is on the minus strand). VCF-style: chr3-38908092-A-G. GRCh37 (hg19) VCF-style: chr3-38949583-A-G.
Other names: c.1330T>C, p.Ser444Pro (NM_014139.3); short protein forms S444P.
Identifiers: ClinVar variation 541563 (VCV000541563.7), dbSNP rs1553639316, ClinGen allele CA352166988.

ClinVar aggregate classification (germline): Uncertain significance (1 of 4 stars; one submission).

Conditions:
Hereditary sensory and autonomic neuropathy type 7. Also called: Neuropathy, hereditary sensory and autonomic, type VII; HSAN VII. Identifiers: Orphanet 391397, MedGen C3809882, MONDO:0014244, OMIM 615548.
Familial episodic pain syndrome with predominantly lower limb involvement. Also called: Episodic pain syndrome, familial, 3. Identifiers: Orphanet 391384, Orphanet 391392, MedGen C3809899, MONDO:0014247, OMIM 615552.

Allele frequency attached by ClinVar (database versions not stated): gnomAD exomes below 0.00001; gnomAD 0.00001; TOPMed 0.00001.
gnomAD v4.1: 3 of 1,612,540 alleles (0.00019%); highest among the groups gnomAD compares: Non-Finnish European, 0.00025%; no homozygotes.

Submission:

Labcorp Genetics (formerly Invitae), Labcorp
Classification: Uncertain significance for Familial episodic pain syndrome with predominantly lower limb involvement; Hereditary sensory and autonomic neuropathy type 7. Last evaluated: 2025-04-14. Review status: criteria provided, single submitter. Criteria: Invitae Variant Classification Sherloc (09022015). Collection method: clinical testing. Allele origin: germline.
Comment: This sequence change replaces serine, which is neutral and polar, with proline, which is neutral and non-polar, at codon 444 of the SCN11A protein (p.Ser444Pro). This variant is not present in population databases (gnomAD no frequency). This variant has not been reported in the literature in individuals affected with SCN11A-related conditions. ClinVar contains an entry for this variant (Variation ID: 541563). An algorithm developed to predict the effect of missense changes on protein structure and function (PolyPhen-2) suggests that this variant is likely to be disruptive. In summary, the available evidence is currently insufficient to determine the role of this variant in disease. Therefore, it has been classified as a Variant of Uncertain Significance.